The following is an entry in ClinVar:

NM_000093.5(COL5A1):c.4231-9G>A

Gene: COL5A1 (collagen type V alpha 1 chain; plus strand). Cytogenetic location: 9q34.3.
Variant type: single nucleotide variant.
Coding change: c.4231-9G>A on transcript NM_000093.5 (MANE Select); 9 bases into the intron before coding-DNA position 4231, G replaced by A.
Molecular consequence: intron variant.
Genome position (GRCh38, 1-based): chr9:134,818,647, G>A. VCF-style: chr9-134818647-G-A. GRCh37 (hg19) VCF-style: chr9-137710493-G-A.
Other names: c.4231-9G>A (NM_001278074.1).
Identifiers: ClinVar variation 459690 (VCV000459690.21), dbSNP rs570545638, ClinGen allele CA5320222.

ClinVar aggregate classification (germline): Benign/Likely benign. Review status: criteria provided, multiple submitters, no conflicts (2 of 4 stars). 6 submissions from 5 submitters: Benign (5); Likely benign (1). Last evaluated 2026-03-10.

Conditions:
Fibromuscular dysplasia, multifocal. Identifiers: MedGen C5543412, MONDO:0859151, OMIM 619329.
Ehlers-Danlos syndrome, classic type (cEDS). Identifiers: Orphanet 287, MedGen C4225429, MONDO:0007522.
Ehlers-Danlos syndrome, classic type, 1 (EDSCL1). Also called: EHLERS-DANLOS SYNDROME, GRAVIS TYPE; EHLERS-DANLOS SYNDROME, SEVERE CLASSIC TYPE; EDS I; Ehlers-Danlos Syndrome, Classic Type, COL5A1-Related; Ehlers-Danlos syndrome, type 1. Identifiers: MedGen C0268335, MONDO:0019567, OMIM 130000.

Allele frequency attached by ClinVar (database versions not stated): gnomAD 0.00006; gnomAD exomes 0.00006 and 0.00022; 1000 Genomes Project 0.00020; 1000 Genomes Project 30x 0.00031; TOPMed 0.00026; ExAC 0.00028.
gnomAD v4.1: 127 of 1,604,154 alleles (0.0079%); highest among the groups gnomAD compares: Admixed American, 0.12%; no homozygotes.

Submissions (6):

Women's Health and Genetics/Laboratory Corporation of America, LabCorp
Classification: Benign. Last evaluated: 2026-03-10. Review status: criteria provided, single submitter. Criteria: LabCorp Variant Classification Summary - May 2015. Collection method: clinical testing. Allele origin: germline.

Labcorp Genetics (formerly Invitae), Labcorp
Classification: Benign for Ehlers-Danlos syndrome, classic type, 1. Last evaluated: 2026-01-14. Review status: criteria provided, single submitter. Criteria: Invitae Variant Classification Sherloc (09022015). Collection method: clinical testing. Allele origin: germline.

Genome-Nilou Lab
Classification: Benign for Ehlers-Danlos syndrome, classic type, 1. Last evaluated: 2022-03-15. Review status: criteria provided, single submitter. Criteria: ACMG Guidelines, 2015. Collection method: clinical testing. Allele origin: germline. Affected: no.

Genome-Nilou Lab
Classification: Benign for Fibromuscular dysplasia, multifocal. Last evaluated: 2022-03-15. Review status: criteria provided, single submitter. Criteria: ACMG Guidelines, 2015. Collection method: clinical testing. Allele origin: germline. Affected: no.

GeneDx
Classification: Likely benign. Last evaluated: 2021-02-08. Review status: criteria provided, single submitter. Criteria: GeneDx Variant Classification Process June 2021. Collection method: clinical testing. Allele origin: germline. Affected: yes.

Illumina Laboratory Services, Illumina
Classification: Benign for Ehlers-Danlos syndrome, classic type, 1. Last evaluated: 2018-01-13. Review status: criteria provided, single submitter. Criteria: ICSL Variant Classification Criteria 13 December 2019. Collection method: clinical testing. Allele origin: germline.
Comment: This variant was observed in the ICSL laboratory as part of a predisposition screen in an ostensibly healthy population. It had not been previously curated by ICSL or reported in the Human Gene Mutation Database (HGMD: prior to June 1st, 2018), and was therefore a candidate for classification through an automated scoring system. Utilizing variant allele frequency, disease prevalence and penetrance estimates, and inheritance mode, an automated score was calculated to assess if this variant is too frequent to cause the disease. Based on the score and internal cut-off values, a variant classified as benign is not then subjected to further curation. The score for this variant resulted in a classification of benign for this disease.